The following is an entry in ClinVar:

ClinVar aggregate classification (germline): Uncertain significance (1 of 4 stars; one submission).

Conditions:
Joubert syndrome. Also called: JOUBERT-BOLTSHAUSER SYNDROME; Familial aplasia of the vermis. Identifiers: Orphanet 475, MedGen C5979921, MONDO:0018772.
Meckel-Gruber syndrome. Also called: Dysencephalia splachnocystica; DYSENCEPHALIA SPLANCHNOCYSTICA; GRUBER SYNDROME. Identifiers: Orphanet 564, MedGen C0265215, MONDO:0018921.

Allele frequency attached by ClinVar (database versions not stated): TOPMed 0.00001.

Submission:

Labcorp Genetics (formerly Invitae), Labcorp
Classification: Uncertain significance for Joubert syndrome; Meckel-Gruber syndrome. Last evaluated: 2021-08-20. Review status: criteria provided, single submitter. Criteria: Invitae Variant Classification Sherloc (09022015). Collection method: clinical testing. Allele origin: germline.
Comment: This sequence change replaces methionine with threonine at codon 995 of the CC2D2A protein (p.Met995Thr). The methionine residue is weakly conserved and there is a moderate physicochemical difference between methionine and threonine. This variant is not present in population databases (ExAC no frequency). This variant has not been reported in the literature in individuals affected with CC2D2A-related conditions. Advanced modeling of protein sequence and biophysical properties (such as structural, functional, and spatial information, amino acid conservation, physicochemical variation, residue mobility, and thermodynamic stability) performed at Invitae indicates that this missense variant is expected to disrupt CC2D2A protein function. In summary, the available evidence is currently insufficient to determine the role of this variant in disease. Therefore, it has been classified as a Variant of Uncertain Significance.

NM_001378615.1(CC2D2A):c.2984T>C (p.Met995Thr)

Genes: CC2D2A (coiled-coil and C2 domain containing 2A; plus strand), FBXL5 (F-box and leucine rich repeat protein 5; minus strand). Cytogenetic location: 4p15.32.
Variant type: single nucleotide variant.
Coding change: c.2984T>C on transcript NM_001378615.1 (MANE Select); coding-DNA position 2984, T replaced by C.
Protein change: p.Met995Thr; replaces methionine 995 with threonine.
Molecular consequence: missense variant.
Genome position (GRCh38, 1-based): chr4:15,560,592, T>C. VCF-style: chr4-15560592-T-C. GRCh37 (hg19) VCF-style: chr4-15562215-T-C.
Other names: c.2984T>C, p.Met995Thr (NM_001080522.2); c.2837T>C, p.Met946Thr (NM_001378617.1); short protein forms M946T, M995T.
Identifiers: ClinVar variation 1045371 (VCV001045371.6), dbSNP rs1719533280, ClinGen allele CA356413950.